The following is an entry in ClinVar:

NM_004463.3(FGD1):c.1387T>C (p.Phe463Leu)

Gene: FGD1 (FYVE, RhoGEF and PH domain containing 1; minus strand). Cytogenetic location: Xp11.22.
Variant type: single nucleotide variant.
Coding change: c.1387T>C on transcript NM_004463.3 (MANE Select); coding-DNA position 1387, T replaced by C.
Protein change: p.Phe463Leu; replaces phenylalanine 463 with leucine.
Molecular consequence: missense variant.
Genome position (GRCh38, 1-based): chrX:54,465,806, A>G on the plus strand (T>C on the coding strand, the complement: FGD1 is on the minus strand). VCF-style: chrX-54465806-A-G. GRCh37 (hg19) VCF-style: chrX-54492239-A-G.
Other names: short protein forms F463L.
Identifiers: ClinVar variation 1312003 (VCV001312003.3), dbSNP rs2147432851, ClinGen allele CA413245029.

ClinVar aggregate classification (germline): Uncertain significance (1 of 4 stars; one submission).

Submission:

GeneDx
Classification: Uncertain significance. Last evaluated: 2024-05-31. Review status: criteria provided, single submitter. Criteria: GeneDx Variant Classification Process June 2021. Collection method: clinical testing. Allele origin: germline. Affected: yes.
Comment: Not observed at significant frequency in large population cohorts (gnomAD); In silico analysis supports that this missense variant has a deleterious effect on protein structure/function; Has not been previously published as pathogenic or benign to our knowledge